The following is an entry in ClinVar:

ClinVar aggregate classification (germline): Conflicting classifications of pathogenicity. Review status: criteria provided, conflicting classifications (1 of 4 stars). 3 submissions from 3 submitters: Uncertain significance (2); Likely benign (1). Last evaluated 2025-02-17.

Conditions:
POR-related disorder. Also called: POR-related condition.
Congenital adrenal hyperplasia due to cytochrome P450 oxidoreductase deficiency. Also called: DISORDERED STEROIDOGENESIS DUE TO POR DEFICIENCY. Identifiers: Orphanet 95699, MedGen C1860042, MONDO:0013310, OMIM 613571.

Allele frequency attached by ClinVar (database versions not stated): gnomAD 0.00006 and 0.00007; gnomAD exomes 0.00007 and 0.00024; TOPMed 0.00012; 1000 Genomes Project 30x 0.00016; 1000 Genomes Project 0.00020; ExAC 0.00022.

Submissions (3):

PreventionGenetics, part of Exact Sciences
Classification: Likely benign for POR-related condition. Last evaluated: 2025-02-17. Review status: criteria provided, single submitter. Criteria: ACMG Guidelines, 2015. Collection method: clinical testing. Allele origin: germline.
Comment: This variant is classified as likely benign based on ACMG/AMP sequence variant interpretation guidelines (Richards et al. 2015 PMID: 25741868, with internal and published modifications).

Blueprint Genetics
Classification: Uncertain significance. Last evaluated: 2023-06-14. Review status: criteria provided, single submitter. Criteria: ACMG Guidelines, 2015. Collection method: clinical testing. Allele origin: germline.

Labcorp Genetics (formerly Invitae), Labcorp
Classification: Uncertain significance for Congenital adrenal hyperplasia due to cytochrome P450 oxidoreductase deficiency. Last evaluated: 2022-07-12. Review status: criteria provided, single submitter. Criteria: Invitae Variant Classification Sherloc (09022015). Collection method: clinical testing. Allele origin: germline.
Comment: This sequence change replaces arginine, which is basic and polar, with cysteine, which is neutral and slightly polar, at codon 406 of the POR protein (p.Arg406Cys). This variant is present in population databases (rs202243657, gnomAD 0.2%). This variant has not been reported in the literature in individuals affected with POR-related conditions. ClinVar contains an entry for this variant (Variation ID: 1399041). Algorithms developed to predict the effect of missense changes on protein structure and function are either unavailable or do not agree on the potential impact of this missense change (SIFT: "Deleterious"; PolyPhen-2: "Benign"; Align-GVGD: "Class C45"). In summary, the available evidence is currently insufficient to determine the role of this variant in disease. Therefore, it has been classified as a Variant of Uncertain Significance.

NM_001395413.1(POR):c.1207C>T (p.Arg403Cys)

Gene: POR (cytochrome p450 oxidoreductase; plus strand). Cytogenetic location: 7q11.23.
Variant type: single nucleotide variant.
Coding change: c.1207C>T on transcript NM_001395413.1 (MANE Select); coding-DNA position 1207, C replaced by T.
Protein change: p.Arg403Cys; replaces arginine 403 with cysteine.
Molecular consequence: missense variant.
Genome position (GRCh38, 1-based): chr7:75,984,926, C>T. VCF-style: chr7-75984926-C-T. GRCh37 (hg19) VCF-style: chr7-75614244-C-T.
Other names: c.1216C>T (NM_000941.2); c.1207C>T, p.Arg403Cys (NM_001382662.3, NM_001367562.3, NM_001382657.2 and 2 more transcripts); c.1261C>T, p.Arg421Cys (NM_001382655.3); short protein forms R403C, R421C.
Identifiers: ClinVar variation 1399041 (VCV001399041.7), dbSNP rs202243657, ClinGen allele CA4304026.